The following is an entry in ClinVar:

ClinVar aggregate classification (germline): Uncertain significance (1 of 4 stars; one submission).

Submission:

Ambry Genetics
Classification: Uncertain significance. Last evaluated: 2026-03-24. Review status: criteria provided, single submitter. Criteria: Ambry Variant Classification Scheme 2023. Collection method: clinical testing. Allele origin: germline.
Comment: The p.S637N variant (also known as c.1910G>A), located in coding exon 8 of the RNF43 gene, results from a G to A substitution at nucleotide position 1910. The serine at codon 637 is replaced by asparagine, an amino acid with highly similar properties. This amino acid position is conserved. In addition, this alteration is predicted to be tolerated by in silico analysis. Based on the available evidence, the clinical significance of this variant remains unclear.

NM_017763.6(RNF43):c.1910G>A (p.Ser637Asn)

Gene: RNF43 (ring finger protein 43; minus strand). Cytogenetic location: 17q22.
Variant type: single nucleotide variant.
Coding change: c.1910G>A on transcript NM_017763.6 (MANE Select); coding-DNA position 1910, G replaced by A.
Protein change: p.Ser637Asn; replaces serine 637 with asparagine.
Molecular consequence: missense variant.
Genome position (GRCh38, 1-based): chr17:58,357,866, C>T on the plus strand (G>A on the coding strand, the complement: RNF43 is on the minus strand). VCF-style: chr17-58357866-C-T. GRCh37 (hg19) VCF-style: chr17-56435227-C-T.
Other names: c.1910G>A, p.Ser637Asn (NM_001305544.3, NM_001438820.1, NM_001438821.1 and 1 more transcripts); c.1529G>A, p.Ser510Asn (NM_001305545.2, NM_001437987.1); short protein forms S510N, S637N.
Identifiers: ClinVar variation 4863385 (VCV004863385.1).